The following is an entry in ClinVar:

NM_000159.4(GCDH):c.271+1G>A

Gene: GCDH (glutaryl-CoA dehydrogenase; plus strand). Cytogenetic location: 19p13.13.
Variant type: single nucleotide variant.
Coding change: c.271+1G>A on transcript NM_000159.4 (MANE Select); the canonical splice donor site of the intron after coding-DNA position 271, G replaced by A.
Molecular consequence: splice donor variant.
Genome position (GRCh38, 1-based): chr19:12,891,975, G>A. VCF-style: chr19-12891975-G-A. GRCh37 (hg19) VCF-style: chr19-13002789-G-A.
Other names: c.271+1G>A (NM_013976.5).
Identifiers: ClinVar variation 189030 (VCV000189030.15), dbSNP rs786204639, ClinGen allele CA274289.

ClinVar aggregate classification (germline): Pathogenic. Review status: criteria provided, multiple submitters, no conflicts (2 of 4 stars). 3 submissions from 3 submitters: Pathogenic (2). 1 of the submissions does not count toward it. Last evaluated 2023-02-07.

Conditions:
Glutaric aciduria, type 1. Also called: Glutaric acidemia type I; Glutaricacidemia Type 1; Glutaryl-CoA dehydrogenase deficiency; Glutaricaciduria, type I; Glutaric Acidemia Type 1; GA I. Identifiers: Orphanet 25, MedGen C0268595, MONDO:0009281, OMIM 231670.

Allele frequency attached by ClinVar (database versions not stated): gnomAD exomes below 0.00001.
gnomAD v4.1: 1 of 1,614,254 alleles (0.000062%); highest among the groups gnomAD compares: East Asian, 0.0022%; no homozygotes.

Submissions (3):

Labcorp Genetics (formerly Invitae), Labcorp
Classification: Pathogenic for Glutaric aciduria, type 1. Last evaluated: 2023-02-07. Review status: criteria provided, single submitter. Criteria: Invitae Variant Classification Sherloc (09022015). Collection method: clinical testing. Allele origin: germline.
Comment: For these reasons, this variant has been classified as Pathogenic. Algorithms developed to predict the effect of sequence changes on RNA splicing suggest that this variant may disrupt the consensus splice site. ClinVar contains an entry for this variant (Variation ID: 189030). This variant is also known as IVS3+1G>A. Disruption of this splice site has been observed in individual(s) with glutaric acidemia type I (PMID: 11058907). In at least one individual the data is consistent with being in trans (on the opposite chromosome) from a pathogenic variant. It has also been observed to segregate with disease in related individuals. This variant is not present in population databases (gnomAD no frequency). This sequence change affects a donor splice site in intron 4 of the GCDH gene. It is expected to disrupt RNA splicing. Variants that disrupt the donor or acceptor splice site typically lead to a loss of protein function (PMID: 16199547), and loss-of-function variants in GCDH are known to be pathogenic (PMID: 10699052, 11854167, 16602100).

Eurofins Ntd Llc (ga)
Classification: Pathogenic. Last evaluated: 2018-08-17. Review status: criteria provided, single submitter. Criteria: EGL ClinVar v180209 classification definitions. Collection method: clinical testing. Allele origin: germline. Observed: 1 variant allele, 1 heterozygote.

Counsyl
Classification: Likely pathogenic for Glutaric aciduria, type 1. Last evaluated: 2014-10-21. Review status: no assertion criteria provided. Collection method: literature only. Allele origin: unknown. Inheritance: Autosomal recessive inheritance. Not counted in ClinVar's aggregate classification.

Literature cited by the submitters: PubMed 11058907 (cited by Labcorp Genetics (formerly Invitae), Labcorp and Counsyl); PubMed 16199547 (cited by Labcorp Genetics (formerly Invitae), Labcorp); PubMed 10699052 (cited by Labcorp Genetics (formerly Invitae), Labcorp); PubMed 11854167 (cited by Labcorp Genetics (formerly Invitae), Labcorp); PubMed 16602100 (cited by Labcorp Genetics (formerly Invitae), Labcorp); PubMed 22728054 (cited by Counsyl).